The following is an entry in ClinVar:

NM_000553.6(WRN):c.3982+6A>T

Gene: WRN (WRN RecQ like helicase; plus strand). Cytogenetic location: 8p12.
Variant type: single nucleotide variant.
Coding change: c.3982+6A>T on transcript NM_000553.6 (MANE Select); 6 bases into the intron after coding-DNA position 3982, A replaced by T.
Molecular consequence: intron variant.
Genome position (GRCh38, 1-based): chr8:31,157,536, A>T. VCF-style: chr8-31157536-A-T. GRCh37 (hg19) VCF-style: chr8-31015052-A-T.
Identifiers: ClinVar variation 938811 (VCV000938811.6), dbSNP rs1803436301, ClinGen allele CA1139660440.

ClinVar aggregate classification (germline): Uncertain significance (1 of 4 stars; one submission).

Conditions:
Werner syndrome (WRN). Identifiers: Orphanet 902, MedGen C0043119, MONDO:0010196, OMIM 277700.

Submission:

Labcorp Genetics (formerly Invitae), Labcorp
Classification: Uncertain significance for Werner syndrome. Last evaluated: 2019-10-15. Review status: criteria provided, single submitter. Criteria: Invitae Variant Classification Sherloc (09022015). Collection method: clinical testing. Allele origin: germline.
Comment: In summary, the available evidence is currently insufficient to determine the role of this variant in disease. Therefore, it has been classified as a Variant of Uncertain Significance. Nucleotide substitutions within the consensus splice site are a relatively common cause of aberrant splicing (PMID: 17576681, 9536098). Algorithms developed to predict the effect of sequence changes on RNA splicing suggest that this variant is not likely to affect RNA splicing, but this prediction has not been confirmed by published transcriptional studies. This variant has not been reported in the literature in individuals with WRN-related conditions. This variant is not present in population databases (ExAC no frequency). This sequence change falls in intron 33 of the WRN gene. It does not directly change the encoded amino acid sequence of the WRN protein, but it affects a nucleotide within the consensus splice site of the intron.

Literature cited by the submitters: PubMed 17576681; PubMed 9536098.